The following is an entry in ClinVar:

NM_007294.4(BRCA1):c.5108A>T (p.Tyr1703Phe)

Gene: BRCA1 (BRCA1 DNA repair associated; minus strand). Cytogenetic location: 17q21.31.
Variant type: single nucleotide variant.
Coding change: c.5108A>T on transcript NM_007294.4 (MANE Select); coding-DNA position 5108, A replaced by T.
Protein change: p.Tyr1703Phe; replaces tyrosine 1703 with phenylalanine.
Molecular consequence: missense variant. On other transcripts: non-coding transcript variant (1).
Genome position (GRCh38, 1-based): chr17:43,063,918, T>A on the plus strand (A>T on the coding strand, the complement: BRCA1 is on the minus strand). VCF-style: chr17-43063918-T-A. GRCh37 (hg19) VCF-style: chr17-41215935-T-A.
Other names: c.4895A>T, p.Tyr1632Phe (NM_001407571.1, NM_001407896.1, NM_001407897.1 and 12 more transcripts); c.5174A>T, p.Tyr1725Phe (NM_001407581.1, NM_001407582.1); c.5171A>T, p.Tyr1724Phe (NM_001407583.1, NM_001407585.1, NM_001407587.1 and 1 more transcripts); c.5168A>T, p.Tyr1723Phe (NM_001407590.1, NM_001407591.1); c.5108A>T, p.Tyr1703Phe (NM_001407593.1, NM_001407594.1, NM_001407596.1 and 7 more transcripts); c.5105A>T, p.Tyr1702Phe (NM_001407610.1, NM_001407611.1, NM_001407612.1 and 17 more transcripts); c.5102A>T, p.Tyr1701Phe (NM_001407627.1, NM_001407628.1, NM_001407629.1 and 14 more transcripts); c.5099A>T, p.Tyr1700Phe (NM_001407644.1, NM_001407645.1); and 71 more; short protein forms Y1724F, Y1703F, Y599F, Y1656F, Y1574F, Y1654F, Y1662F, Y1699F.
Identifiers: ClinVar variation 869037 (VCV000869037.3), dbSNP rs876660071, ClinGen allele CA10591313.

Conditions:
Breast-ovarian cancer, familial, susceptibility to, 1 (BROVCA1). Also called: BRCA1 Hereditary Breast and Ovarian Cancer; OVARIAN CANCER, SUSCEPTIBILITY TO. Identifiers: Orphanet 145, MedGen C2676676, MONDO:0011450, OMIM 604370. Disease mechanism: loss of function.

Submission:

Brotman Baty Institute, University of Washington
No classification provided (evidence only). Condition: Breast-ovarian cancer, familial 1. Review status: no classification provided. Collection method: in vitro. Allele origin: not applicable. Functional consequence: functionally_normal.
ClinVar note: "not provided" was previously submitted as the classification for the variant. However, the classification appeared to be based only on an observation of functional data so it was converted to no classification on 2025-07-30.